The following is an entry in ClinVar:

ClinVar aggregate classification (germline): Pathogenic/Likely pathogenic. Review status: criteria provided, multiple submitters, no conflicts (2 of 4 stars). 6 submissions from 6 submitters: Pathogenic (4); Likely pathogenic (2). Last evaluated 2026-02-15.

Conditions:
Glycogen storage disease, type V (GSD5). Also called: PYGM DEFICIENCY; McArdle type glycogen storage disease; MCARDLE DISEASE; MUSCLE GLYCOGEN PHOSPHORYLASE DEFICIENCY; MYOPHOSPHORYLASE DEFICIENCY. Identifiers: Orphanet 368, MedGen C0017924, MONDO:0009293, OMIM 232600.

gnomAD v4.1: 26 of 1,613,512 alleles (0.0016%); highest among the groups gnomAD compares: Admixed American, 0.043%; no homozygotes.

Submissions (6):

GeneDx
Classification: Likely pathogenic. Last evaluated: 2026-02-15. Review status: criteria provided, single submitter. Criteria: GeneDx Variant Classification Process June 2021. Collection method: clinical testing. Allele origin: germline.
Comment: Has not been previously published as pathogenic or benign to our knowledge; In silico analysis supports that this missense variant has a deleterious effect on protein structure/function; This variant is associated with the following publications: (PMID: 17630210, 21802952, 17994553, 26913921, 17560787)

Natera, Inc.
Classification: Pathogenic for Glycogen storage disease V. Last evaluated: 2025-12-31. Review status: criteria provided, single submitter. Criteria: Natera Variant Classification Schema (03/2026). Collection method: clinical testing. Allele origin: germline.
Comment: The c.2392T>A variant in PYGM is a missense variant predicted to cause substitution of tryptophan to arginine at amino acid 798. This variant is rare in the general population with a frequency below the threshold expected for the associated phenotype(s). This variant has been observed in one or more individuals affected with the associated recessive disease, as either homozygous or compound heterozygous with a second variant (PMID: 17560787). Functional studies show that this variant may disrupt protein function (PMID: 17560787). Another variant at this same site results in an alteration predicted to cause a similar molecular effect has been observed in individual(s) with the associated phenotype. Computational prediction algorithms indicate this variant is likely to affect gene or protein function. Given the available evidence, this variant is classified as Pathogenic.

Labcorp Genetics (formerly Invitae), Labcorp
Classification: Pathogenic for Glycogen storage disease, type V. Last evaluated: 2025-11-12. Review status: criteria provided, single submitter. Criteria: Invitae Variant Classification Sherloc (09022015). Collection method: clinical testing. Allele origin: germline.
Comment: This sequence change replaces tryptophan, which is neutral and slightly polar, with arginine, which is basic and polar, at codon 798 of the PYGM protein (p.Trp798Arg). This variant is present in population databases (rs119103258, gnomAD 0.07%). This missense change has been observed in individuals with McArdle disease (PMID: 17630210, 17994553, 21802952). It has also been observed to segregate with disease in related individuals. ClinVar contains an entry for this variant (Variation ID: 526617). Invitae Evidence Modeling of protein sequence and biophysical properties (such as structural, functional, and spatial information, amino acid conservation, physicochemical variation, residue mobility, and thermodynamic stability) indicates that this missense variant is expected to disrupt PYGM protein function with a positive predictive value of 95%. For these reasons, this variant has been classified as Pathogenic.

Fulgent Genetics
Classification: Likely pathogenic for Glycogen storage disease, type V. Last evaluated: 2024-04-26. Review status: criteria provided, single submitter. Criteria: ACMG Guidelines, 2015. Collection method: clinical testing. Allele origin: germline.

Baylor Genetics
Classification: Pathogenic for Glycogen storage disease, type V. Last evaluated: 2024-03-10. Review status: criteria provided, single submitter. Criteria: ACMG Guidelines, 2015. Collection method: clinical testing. Allele origin: unknown.

Women's Health and Genetics/Laboratory Corporation of America, LabCorp
Classification: Pathogenic for Glycogen storage disease, type V. Last evaluated: 2022-08-24. Review status: criteria provided, single submitter. Criteria: LabCorp Variant Classification Summary - May 2015. Collection method: clinical testing. Allele origin: germline.
Comment: Variant summary: PYGM c.2392T>A (p.Trp798Arg) results in a non-conservative amino acid change in the encoded protein sequence. Five of five in-silico tools predict a damaging effect of the variant on protein function. The variant allele was found at a frequency of 8.7e-05 in 251496 control chromosomes. This frequency is not significantly higher than estimated for a pathogenic variant in PYGM causing Glycogen Storage Disease, Type V (8.7e-05 vs 0.0035), allowing no conclusion about variant significance. A different nucleotide change c.2392T>C, also resulting in the same amino acid change has also been reported in individuals affected with Glycogen Storage Disease, Type V (Mc Ardle Disease). p.Trp798Arg has been reported in the literature (nucleotide change not specified) in homozygous and compound heterozygous genotypes in multiple individuals predominantly of Spanish origin affected with Glycogen Storage Disease, Type V (Mc Ardle Disease) (example, Lucia_2007, Vieitez_2011, Garcia-Consuegra_2016). These data indicate that the variant is very likely to be associated with disease. Two clinical diagnostic laboratories have submitted clinical-significance assessments for this variant to ClinVar after 2014 without evidence for independent evaluation. All laboratories classified the variant as pathogenic. Based on the evidence outlined above, the variant was classified as pathogenic.

Literature cited by the submitters: PubMed 17560787 (cited by Natera, Inc. and Women's Health and Genetics/Laboratory Corporation of America, LabCorp); PubMed 17630210 (cited by Labcorp Genetics (formerly Invitae), Labcorp); PubMed 17994553 (cited by Labcorp Genetics (formerly Invitae), Labcorp); PubMed 21802952 (cited by Labcorp Genetics (formerly Invitae), Labcorp and Women's Health and Genetics/Laboratory Corporation of America, LabCorp); PubMed 26913921 (cited by Women's Health and Genetics/Laboratory Corporation of America, LabCorp).

NM_005609.4(PYGM):c.2392T>A (p.Trp798Arg)

Gene: PYGM (glycogen phosphorylase, muscle associated; minus strand). Cytogenetic location: 11q13.1.
Variant type: single nucleotide variant.
Coding change: c.2392T>A on transcript NM_005609.4 (MANE Select); coding-DNA position 2392, T replaced by A.
Protein change: p.Trp798Arg; replaces tryptophan 798 with arginine.
Molecular consequence: missense variant.
Genome position (GRCh38, 1-based): chr11:64,746,796, A>T on the plus strand (T>A on the coding strand, the complement: PYGM is on the minus strand). VCF-style: chr11-64746796-A-T. GRCh37 (hg19) VCF-style: chr11-64514268-A-T.
Other names: c.2128T>A, p.Trp710Arg (NM_001164716.1); c.2392T>A (NM_005609.2); short protein forms W798R, W710R.
Identifiers: ClinVar variation 526617 (VCV000526617.16), dbSNP rs119103258, ClinGen allele CA6079524.